The following is an entry in ClinVar:

ClinVar aggregate classification (germline): Likely benign (1 of 4 stars; one submission).

Conditions:
Giant axonal neuropathy 1 (GAN1). Also called: GAN-Related Neurodegeneration; GIANT AXONAL NEUROPATHY 1, AUTOSOMAL RECESSIVE. Identifiers: Orphanet 643, MedGen C1850386, MONDO:0009749, OMIM 256850.

Allele frequency attached by ClinVar (database versions not stated): gnomAD 0.00026 and 0.00029; TOPMed 0.00042; 1000 Genomes Project 0.00060; 1000 Genomes Project 30x 0.00109.

Submission:

Illumina Laboratory Services, Illumina
Classification: Likely benign for Giant axonal neuropathy 1. Last evaluated: 2018-01-13. Review status: criteria provided, single submitter. Criteria: ICSL Variant Classification Criteria 13 December 2019. Collection method: clinical testing. Allele origin: germline.
Comment: This variant was observed in the ICSL laboratory as part of a predisposition screen in an ostensibly healthy population. It had not been previously curated by ICSL or reported in the Human Gene Mutation Database (HGMD: prior to June 1st, 2018), and was therefore a candidate for classification through an automated scoring system. Utilizing variant allele frequency, disease prevalence and penetrance estimates, and inheritance mode, an automated score was calculated to assess if this variant is too frequent to cause the disease. Based on the score and internal cut-off values, a variant classified as likely benign is not then subjected to further curation. The score for this variant resulted in a classification of likely benign for this disease.

NM_022041.4(GAN):c.*1949G>C

Gene: GAN (gigaxonin; plus strand). Cytogenetic location: 16q23.2.
Variant type: single nucleotide variant.
Coding change: c.*1949G>C on transcript NM_022041.4 (MANE Select); 1949 bases downstream of the stop codon, G replaced by C.
Molecular consequence: 3 prime UTR variant.
Genome position (GRCh38, 1-based): chr16:81,379,545, G>C. VCF-style: chr16-81379545-G-C. GRCh37 (hg19) VCF-style: chr16-81413150-G-C.
Other names: c.*1949G>C (NM_001377486.1).
Identifiers: ClinVar variation 886243 (VCV000886243.4), dbSNP rs191873952, ClinGen allele CA285127750.